The following is an entry in ClinVar:

ClinVar aggregate classification (germline): Uncertain significance (1 of 4 stars; one submission).

Allele frequency attached by ClinVar (database versions not stated): gnomAD 0.00001; TOPMed 0.00001.

Submission:

GeneDx
Classification: Uncertain significance. Last evaluated: 2022-02-02. Review status: criteria provided, single submitter. Criteria: GeneDx Variant Classification Process June 2021. Collection method: clinical testing. Allele origin: germline. Affected: yes.
Comment: Not observed at significant frequency in large population cohorts (gnomAD); In silico analysis supports that this missense variant does not alter protein structure/function; Has not been previously published as pathogenic or benign to our knowledge

NM_000891.3(KCNJ2):c.278T>C (p.Val93Ala)

Gene: KCNJ2 (potassium inwardly rectifying channel subfamily J member 2; plus strand). Cytogenetic location: 17q24.3.
Variant type: single nucleotide variant.
Coding change: c.278T>C on transcript NM_000891.3 (MANE Select); coding-DNA position 278, T replaced by C.
Protein change: p.Val93Ala; replaces valine 93 with alanine.
Molecular consequence: missense variant.
Genome position (GRCh38, 1-based): chr17:70,175,317, T>C. VCF-style: chr17-70175317-T-C. GRCh37 (hg19) VCF-style: chr17-68171458-T-C.
Other names: short protein forms V93A.
Identifiers: ClinVar variation 1702825 (VCV001702825.2), dbSNP rs1025972346, ClinGen allele CA293702908.